The following is an entry in ClinVar:

ClinVar aggregate classification (germline): Uncertain significance (1 of 4 stars; one submission).

Conditions:
FLCN-related disorder. Also called: FLCN-related condition.

Allele frequency attached by ClinVar (database versions not stated): ExAC 0.00001; gnomAD exomes 0.00001.
gnomAD v4.1: 3 of 1,613,822 alleles (0.00019%); highest among the groups gnomAD compares: Non-Finnish European, 0.00025%; no homozygotes.

Submission:

PreventionGenetics, part of Exact Sciences
Classification: Uncertain significance for FLCN-related condition. Last evaluated: 2023-06-22. Review status: criteria provided, single submitter. Criteria: ACMG Guidelines, 2015. Collection method: clinical testing. Allele origin: germline.
Comment: The FLCN c.913C>T variant is predicted to result in the amino acid substitution p.Pro305Ser. To our knowledge, this variant has not been reported in the literature. This variant is reported in 0.0018% of alleles in individuals of European (Non-Finnish) descent in gnomAD. At this time, the clinical significance of this variant is uncertain due to the absence of conclusive functional and genetic evidence.

NM_144997.7(FLCN):c.871+42C>T

Gene: FLCN (folliculin; minus strand). Cytogenetic location: 17p11.2.
Variant type: single nucleotide variant.
Coding change: c.871+42C>T on transcript NM_144997.7 (MANE Select); 42 bases into the intron after coding-DNA position 871, C replaced by T.
Molecular consequence: intron variant. On other transcripts: missense variant (1).
Genome position (GRCh38, 1-based): chr17:17,221,495, G>A on the plus strand (C>T on the coding strand, the complement: FLCN is on the minus strand). VCF-style: chr17-17221495-G-A. GRCh37 (hg19) VCF-style: chr17-17124809-G-A.
Other names: c.913C>T, p.Pro305Ser (NM_144606.7); c.871+42C>T (NM_001353231.2, NM_001353230.2); c.925+42C>T (NM_001353229.2); short protein forms P305S.
Identifiers: ClinVar variation 2632711 (VCV002632711.1), dbSNP rs750613934, ClinGen allele CA8416257.